The following is an entry in ClinVar:

NM_000038.6(APC):c.229T>G (p.Leu77Val)

Gene: APC (APC regulator of Wnt signaling pathway; plus strand). Cytogenetic location: 5q22.2.
Variant type: single nucleotide variant.
Coding change: c.229T>G on transcript NM_000038.6 (MANE Select); coding-DNA position 229, T replaced by G.
Protein change: p.Leu77Val; replaces leucine 77 with valine.
Molecular consequence: missense variant. On other transcripts: 5 prime UTR variant (1).
Genome position (GRCh38, 1-based): chr5:112,767,197, T>G. VCF-style: chr5-112767197-T-G. GRCh37 (hg19) VCF-style: chr5-112102894-T-G.
Other names: c.229T>G, p.Leu77Val (NM_001127510.3, NM_001354895.2, NM_001354896.2 and 2 more transcripts); c.259T>G, p.Leu87Val (NM_001127511.3, NM_001354897.2, NM_001354902.2); c.154T>G, p.Leu52Val (NM_001354898.2, NM_001354904.2); c.52T>G, p.Leu18Val (NM_001354900.2, NM_001354901.2, NM_001354905.2); c.-807T>G (NM_001354906.2); short protein forms L18V, L77V, L52V, L87V.
Identifiers: ClinVar variation 1041736 (VCV001041736.13), dbSNP rs1756429303, ClinGen allele CA16021842.
Genomic context (GRCh38, chr5:112,767,197, plus strand): 5'-TTAGACTGCTTAAAGCAATTGTTGTATAAAAACTTGTTTCTATTTTATTTAGAGCTTAAC[T>G]TAGATAGCAGTAATTTCCCTGGAGTAAAACTGCGGTCAAAAATGTCCCTCCGTTCTTATG-3'
Protein context (NP_000029.2, residues 67-87): DLLERLKELN[Leu77Val]DSSNFPGVKL

ClinVar aggregate classification (germline): Uncertain significance. Review status: criteria provided, multiple submitters, no conflicts (2 of 4 stars). 4 submissions from 4 submitters: Uncertain significance (4). Last evaluated 2025-01-09.

Conditions:
Hereditary cancer-predisposing syndrome. Also called: Hereditary Cancer Syndrome; Tumor predisposition; Hereditary neoplastic syndrome; Neoplastic Syndromes, Hereditary. Identifiers: Orphanet 140162, MedGen C0027672, MeSH D009386, MONDO:0015356.
Familial adenomatous polyposis 1 (FAP1). Also called: FAMILIAL ADENOMATOUS POLYPOSIS 1, ATTENUATED; POLYPOSIS, ADENOMATOUS INTESTINAL. Identifiers: MedGen C2713442, MONDO:0021056, OMIM 175100. Disease mechanism: loss of function.

Allele frequency attached by ClinVar (database versions not stated): gnomAD exomes below 0.00001.
gnomAD v4.1: 1 of 1,613,606 alleles (0.000062%); highest among the groups gnomAD compares: Non-Finnish European, 0.000085%; no homozygotes.

Submissions (4):

Ambry Genetics
Classification: Uncertain significance for Hereditary cancer-predisposing syndrome. Last evaluated: 2025-01-09. Review status: criteria provided, single submitter. Criteria: Ambry Variant Classification Scheme 2023. Collection method: clinical testing. Allele origin: germline.
Comment: The p.L77V variant (also known as c.229T>G), located in coding exon 3 of the APC gene, results from a T to G substitution at nucleotide position 229. The leucine at codon 77 is replaced by valine, an amino acid with highly similar properties. This amino acid position is highly conserved in available vertebrate species. In addition, in silico predictors for this gene do not accurately predict pathogenicity. Based on the available evidence, the clinical significance of this variant remains unclear.

Women's Health and Genetics/Laboratory Corporation of America, LabCorp
Classification: Uncertain significance. Last evaluated: 2024-03-28. Review status: criteria provided, single submitter. Criteria: LabCorp Variant Classification Summary - May 2015. Collection method: clinical testing. Allele origin: germline.

Baylor Genetics
Classification: Uncertain significance for Familial adenomatous polyposis 1. Last evaluated: 2023-08-30. Review status: criteria provided, single submitter. Criteria: ACMG Guidelines, 2015. Collection method: clinical testing. Allele origin: unknown.

Labcorp Genetics (formerly Invitae), Labcorp
Classification: Uncertain significance for Familial adenomatous polyposis 1. Last evaluated: 2021-08-28. Review status: criteria provided, single submitter. Criteria: Invitae Variant Classification Sherloc (09022015). Collection method: clinical testing. Allele origin: germline.
Comment: This sequence change replaces leucine with valine at codon 77 of the APC protein (p.Leu77Val). The leucine residue is highly conserved and there is a small physicochemical difference between leucine and valine. This variant is not present in population databases (ExAC no frequency). This variant has not been reported in the literature in individuals affected with APC-related conditions. Algorithms developed to predict the effect of missense changes on protein structure and function are either unavailable or do not agree on the potential impact of this missense change (SIFT: "Deleterious"; PolyPhen-2: "Possibly Damaging"; Align-GVGD: "Class C0"). In summary, the available evidence is currently insufficient to determine the role of this variant in disease. Therefore, it has been classified as a Variant of Uncertain Significance.